The following is an entry in ClinVar:

ClinVar aggregate classification (germline): Likely pathogenic (1 of 4 stars; one submission).

Conditions:
Schöpf-Schulz-Passarge syndrome. Also called: ECCRINE TUMORS WITH ECTODERMAL DYSPLASIA; KERATOSIS PALMOPLANTARIS WITH CYSTIC EYELIDS, HYPODONTIA, AND HYPOTRICHOSIS; SchC6pf-Schulz-Passarge syndrome. Identifiers: Orphanet 50944, MedGen C1857069, MONDO:0009145, OMIM 224750.

Submission:

Natera, Inc.
Classification: Likely pathogenic for Schopf-Schulz-Passarge syndrome. Last evaluated: 2025-04-14. Review status: criteria provided, single submitter. Criteria: Natera Variant Classification Schema (03/2026). Collection method: clinical testing. Allele origin: germline.
Comment: The c.152dup variant in WNT10A is a frameshift variant predicted to shift the reading frame beginning at codon 52 and leads to a stop codon 29 codons downstream. This variant is expected to result in nonsense mediated decay, truncation, or a dysfunctional protein product. This variant is rare in the general population with a frequency below the threshold expected for the associated phenotype(s). Given the available evidence, this variant is classified as Likely Pathogenic.

NM_025216.3(WNT10A):c.152dup (p.Glu52fs)

Gene: WNT10A (Wnt family member 10A; plus strand). Cytogenetic location: 2q35.
Variant type: Duplication.
Coding change: c.152dup on transcript NM_025216.3 (MANE Select); coding-DNA position 152, one base duplicated (C; older notation c.152dupC).
Protein change: p.Glu52fs; shifts the reading frame from glutamic acid 52.
Molecular consequence: frameshift variant.
Genome position (GRCh38, 1-based): chr2:218,882,199, C duplicated; the last of 6 consecutive C bases (chr2:218,882,194-218,882,199); duplicating any one gives the same sequence. VCF-style (leftmost placement, unchanged base first): chr2-218882193-T-TC. GRCh37 (hg19) VCF-style: chr2-219746915-T-TC.
Other names: short protein forms E52fs.
Identifiers: ClinVar variation 4063357 (VCV004063357.2).